The following is an entry in ClinVar:

ClinVar aggregate classification (germline): Uncertain significance. Review status: criteria provided, multiple submitters, no conflicts (2 of 4 stars). 3 submissions from 3 submitters: Uncertain significance (3). Last evaluated 2025-09-12.

Conditions:
TTN-related disorder. Also called: TTN-related disorders; TTN-related condition; TTN-related disease.

Allele frequency attached by ClinVar (database versions not stated): gnomAD exomes 0.00001 and 0.00002; ExAC 0.00002; gnomAD 0.00005; TOPMed 0.00005.
gnomAD v4.1: 19 of 1,613,506 alleles (0.0012%); highest among the groups gnomAD compares: African/African-American, 0.015%; no homozygotes.

Submissions (3):

PreventionGenetics, part of Exact Sciences
Classification: Uncertain significance for TTN-related condition. Last evaluated: 2025-09-12. Review status: criteria provided, single submitter. Criteria: ACMG Guidelines, 2015. Collection method: clinical testing. Allele origin: germline.
Comment: The TTN c.99940C>T variant is predicted to result in the amino acid substitution p.Pro33314Ser. This variant has been reported in an individual with left ventricular noncompaction (Supplementary Table S2, Mazzarotto et al. 2021. PubMed ID: 33500567). This variant is reported in 0.021% of alleles in individuals of African descent in gnomAD and is interpreted as uncertain in ClinVar (Variation ID: 229557). At this time, the clinical significance of this variant is uncertain due to the absence of conclusive functional and genetic evidence.

Revvity Omics, Revvity
Classification: Uncertain significance. Last evaluated: 2023-12-21. Review status: criteria provided, single submitter. Criteria: ACMG Guidelines, 2015. Collection method: clinical testing. Allele origin: germline.

Laboratory for Molecular Medicine, Mass General Brigham Personalized Medicine
Classification: Uncertain significance. Last evaluated: 2015-10-22. Review status: criteria provided, single submitter. Criteria: LMM Criteria. Collection method: clinical testing. Allele origin: germline. Observed: 1 variant allele.
Comment: The p.Pro30746Ser variant in TTN has not been previously reported in individuals with cardiomyopathy but has been identified in 2/11350 Latino chromosomes by th e Exome Aggregation Consortium (ExAC). Computati onal prediction tools and conservation analysis do not provide strong support fo r or against an impact to the protein. In summary, the clinical significance of the p.Pro30746Ser variant is uncertain.

NM_001267550.2(TTN):c.99940C>T (p.Pro33314Ser)

Genes: TTN (titin; minus strand), TTN-AS1 (TTN antisense RNA 1; plus strand), LOC126806420 (BRD4-independent group 4 enhancer GRCh37_chr2:179401104-179402303; plus strand). Cytogenetic location: 2q31.2.
Variant type: single nucleotide variant.
Coding change: c.99940C>T on transcript NM_001267550.2 (MANE Select); coding-DNA position 99940, C replaced by T.
Protein change: p.Pro33314Ser; replaces proline 33314 with serine.
Molecular consequence: missense variant.
Genome position (GRCh38, 1-based): chr2:178,537,169, G>A on the plus strand (C>T on the coding strand, the complement: TTN is on the minus strand). VCF-style: chr2-178537169-G-A. GRCh37 (hg19) VCF-style: chr2-179401896-G-A.
Other names: c.92236C>T, p.Pro30746Ser (NM_133378.4); c.95017C>T, p.Pro31673Ser (NM_001256850.1); c.72745C>T, p.Pro24249Ser (NM_003319.4); c.73120C>T, p.Pro24374Ser (NM_133432.3); c.73321C>T, p.Pro24441Ser (NM_133437.4); short protein forms P30746S, P33314S, P24249S, P24374S, P24441S, P31673S.
Identifiers: ClinVar variation 229557 (VCV000229557.7), dbSNP rs754605294, ClinGen allele CA1986105.